The following is an entry in ClinVar:

NM_000138.5(FBN1):c.654C>G (p.Gly218=)

Gene: FBN1 (fibrillin 1; minus strand). Cytogenetic location: 15q21.1.
Variant type: single nucleotide variant.
Coding change: c.654C>G on transcript NM_000138.5 (MANE Select); coding-DNA position 654, C replaced by G.
Protein change: p.Gly218=; no amino-acid change (glycine 218 retained).
Molecular consequence: synonymous variant.
Genome position (GRCh38, 1-based): chr15:48,537,693, G>C on the plus strand (C>G on the coding strand, the complement: FBN1 is on the minus strand). VCF-style: chr15-48537693-G-C. GRCh37 (hg19) VCF-style: chr15-48829890-G-C.
Identifiers: ClinVar variation 915552 (VCV000915552.15), dbSNP rs375181377, ClinGen allele CA056986.

ClinVar aggregate classification (germline): Likely benign. Review status: criteria provided, multiple submitters, no conflicts (2 of 4 stars). 6 submissions from 6 submitters: Likely benign (6). Last evaluated 2024-11-02.

Conditions:
Marfan syndrome (MFS). Also called: Marfan syndrome, classic; Marfan syndrome type 1; Marfan's syndrome; FBN1-Related Marfan Syndrome; MARFAN SYNDROME, TYPE I. Identifiers: Orphanet 284963, Orphanet 558, MedGen C0024796, MONDO:0007947, OMIM 154700.
Familial thoracic aortic aneurysm and aortic dissection (TAAD). Also called: Thoracic aortic aneurysms and dissections. Identifiers: Orphanet 91387, MedGen C4707243, MONDO:0019625.

Allele frequency attached by ClinVar (database versions not stated): gnomAD exomes 0.00001; ExAC 0.00002; ESP Exome Variant Server 0.00008.
gnomAD v4.1: 75 of 1,614,086 alleles (0.0046%); highest among the groups gnomAD compares: Non-Finnish European, 0.0064%; no homozygotes.

Submissions (6):

Ambry Genetics
Classification: Likely benign for Familial thoracic aortic aneurysm and aortic dissection. Last evaluated: 2024-11-02. Review status: criteria provided, single submitter. Criteria: Ambry Variant Classification Scheme 2023. Collection method: clinical testing. Allele origin: germline.

Blueprint Genetics
Classification: Likely benign. Last evaluated: 2024-09-13. Review status: criteria provided, single submitter. Criteria: ACMG Guidelines, 2015. Collection method: clinical testing. Allele origin: germline.

Labcorp Genetics (formerly Invitae), Labcorp
Classification: Likely benign for Marfan syndrome; Familial thoracic aortic aneurysm and aortic dissection. Last evaluated: 2024-08-05. Review status: criteria provided, single submitter. Criteria: Invitae Variant Classification Sherloc (09022015). Collection method: clinical testing. Allele origin: germline.

All of Us Research Program, National Institutes of Health
Classification: Likely benign for Marfan syndrome. Last evaluated: 2024-05-14. Review status: criteria provided, single submitter. Criteria: ACMG Guidelines, 2015. Collection method: clinical testing. Allele origin: germline. Inheritance: Autosomal dominant inheritance. Observed: 1 variant allele, 1 heterozygote.
Comment: This study involves interpretation of variants in research participants for the purpose of population health screening. Participant phenotype was not available at the time of variant classification. Additional details can be found in publication PMID: 35346344, PMCID: PMC8962531

Color Diagnostics, LLC DBA Color Health
Classification: Likely benign for Familial thoracic aortic aneurysm and aortic dissection. Last evaluated: 2019-02-01. Review status: criteria provided, single submitter. Criteria: ACMG Guidelines, 2015. Collection method: clinical testing. Allele origin: germline.

CHEO Genetics Diagnostic Laboratory, Children's Hospital of Eastern Ontario
Classification: Likely benign for Familial thoracic aortic aneurysm and aortic dissection. Last evaluated: 2019-01-18. Review status: criteria provided, single submitter. Criteria: ACMG Guidelines, 2015. Collection method: clinical testing. Allele origin: germline.